The following is an entry in ClinVar:

NM_001267550.2(TTN):c.64998A>G (p.Ala21666=)

Genes: TTN (titin; minus strand), TTN-AS1 (TTN antisense RNA 1; plus strand). Cytogenetic location: 2q31.2.
Variant type: single nucleotide variant.
Coding change: c.64998A>G on transcript NM_001267550.2 (MANE Select); coding-DNA position 64998, A replaced by G.
Protein change: p.Ala21666=; no amino-acid change (alanine 21666 retained).
Molecular consequence: synonymous variant.
Genome position (GRCh38, 1-based): chr2:178,584,553, T>C on the plus strand (A>G on the coding strand, the complement: TTN is on the minus strand). VCF-style: chr2-178584553-T-C. GRCh37 (hg19) VCF-style: chr2-179449280-T-C.
Other names: c.57294A>G, p.Ala19098= (NM_133378.4); c.60075A>G, p.Ala20025= (NM_001256850.1); c.37803A>G, p.Ala12601= (NM_003319.4); c.38178A>G, p.Ala12726= (NM_133432.3); c.38379A>G, p.Ala12793= (NM_133437.4).
Identifiers: ClinVar variation 228124 (VCV000228124.11), dbSNP rs876657612, ClinGen allele CA10576496.
Genomic context (GRCh38, chr2:178,584,553, plus strand): 5'-ATCACTATCTGGTCTGTCCCAAGCAACAAAAATACAGTCCTTGTTGACTTTGGTGACTCG[T>C]GCATTCTTTGGTTCACTAGGAACACCTGGAGATGAAGACAAGGAAGATGTCAGTTTCTAC-3'
Protein context (NP_001254479.2, residues 21656-21676): PFGVPSEPKN[Ala21666=]RVTKVNKDCI

ClinVar aggregate classification (germline): Likely benign. Review status: criteria provided, multiple submitters, no conflicts (2 of 4 stars). 3 submissions from 3 submitters: Likely benign (3). Last evaluated 2024-11-27.

Conditions:
Cardiovascular phenotype. Identifiers: MedGen CN230736.
Autosomal recessive limb-girdle muscular dystrophy type 2J (LGMDR10). Also called: Limb-girdle muscular dystrophy, type 2J; MUSCULAR DYSTROPHY, LIMB-GIRDLE, AUTOSOMAL RECESSIVE 10. Identifiers: Orphanet 140922, MedGen C1837342, MONDO:0012127, OMIM 608807.
Dilated cardiomyopathy 1G (CMD1G). Identifiers: Orphanet 154, MedGen C1858763, MONDO:0011400, OMIM 604145.

gnomAD v4.1: 1 of 1,612,544 alleles (0.000062%); no homozygotes.

Submissions (3):

Ambry Genetics
Classification: Likely benign for Cardiovascular phenotype. Last evaluated: 2024-11-27. Review status: criteria provided, single submitter. Criteria: Ambry Variant Classification Scheme 2023. Collection method: clinical testing. Allele origin: germline.

Labcorp Genetics (formerly Invitae), Labcorp
Classification: Likely benign for Dilated cardiomyopathy 1G; Autosomal recessive limb-girdle muscular dystrophy type 2J. Last evaluated: 2022-08-20. Review status: criteria provided, single submitter. Criteria: Invitae Variant Classification Sherloc (09022015). Collection method: clinical testing. Allele origin: germline.

Laboratory for Molecular Medicine, Mass General Brigham Personalized Medicine
Classification: Likely benign. Last evaluated: 2015-03-30. Review status: criteria provided, single submitter. Criteria: LMM Criteria. Collection method: clinical testing. Allele origin: germline. Observed: 1 variant allele.
Comment: p.Ala19098Ala in exon 260 of TTN: This variant is not expected to have clinical significance because it does not alter an amino acid residue and is not located within the splice consensus sequence.